The following is an entry in ClinVar:

ClinVar aggregate classification (germline): Uncertain significance (1 of 4 stars; one submission).

Conditions:
Gastrointestinal stromal tumor. Also called: Gastrointestinal stromal tumor, somatic; Gastrointestinal stroma tumor. Identifiers: Orphanet 44890, MedGen C0238198, MeSH D046152, MONDO:0011719, OMIM 606764, HP:0100723.

Allele frequency attached by ClinVar (database versions not stated): gnomAD exomes below 0.00001.
gnomAD v4.1: 1 of 1,613,888 alleles (0.000062%); highest among the groups gnomAD compares: South Asian, 0.0011%; no homozygotes.

Submission:

Labcorp Genetics (formerly Invitae), Labcorp
Classification: Uncertain significance for Gastrointestinal stromal tumor. Last evaluated: 2021-07-17. Review status: criteria provided, single submitter. Criteria: Invitae Variant Classification Sherloc (09022015). Collection method: clinical testing. Allele origin: germline.
Comment: This variant has not been reported in the literature in individuals with PDGFRA-related disease. In summary, the available evidence is currently insufficient to determine the role of this variant in disease. Therefore, it has been classified as a Variant of Uncertain Significance. Algorithms developed to predict the effect of missense changes on protein structure and function are either unavailable or do not agree on the potential impact of this missense change (SIFT: "Deleterious"; PolyPhen-2: "Possibly Damaging"; Align-GVGD: "Class C0"). This variant is not present in population databases (ExAC no frequency). This sequence change replaces aspartic acid with valine at codon 1079 of the PDGFRA protein (p.Asp1079Val). The aspartic acid residue is highly conserved and there is a large physicochemical difference between aspartic acid and valine.

NM_006206.6(PDGFRA):c.3236A>T (p.Asp1079Val)

Gene: PDGFRA (platelet derived growth factor receptor alpha; plus strand). Cytogenetic location: 4q12.
Variant type: single nucleotide variant.
Coding change: c.3236A>T on transcript NM_006206.6 (MANE Select); coding-DNA position 3236, A replaced by T.
Protein change: p.Asp1079Val; replaces aspartic acid 1079 with valine.
Molecular consequence: missense variant.
Genome position (GRCh38, 1-based): chr4:54,295,238, A>T. VCF-style: chr4-54295238-A-T. GRCh37 (hg19) VCF-style: chr4-55161405-A-T.
Other names: c.3311A>T, p.Asp1104Val (NM_001347828.2); c.3236A>T, p.Asp1079Val (NM_001347829.2); c.3275A>T, p.Asp1092Val (NM_001347830.2); short protein forms D1079V, D1092V, D1104V.
Identifiers: ClinVar variation 573624 (VCV000573624.9), dbSNP rs1560496172, ClinGen allele CA356896694.
Genomic context (GRCh38, chr4:54,295,238, plus strand): 5'-TCATCAAGAGAGAGGACGAGACCATTGAAGACATCGACATGATGGATGACATCGGCATAG[A>T]CTCTTCAGACCTGGTGGAAGACAGCTTCCTGTAACTGGCGGATTCGAGGGGTTCCTTCCA-3'
Protein context (NP_006197.1, residues 1069-1089): DIDMMDDIGI[Asp1079Val]SSDLVEDSFL